The following is an entry in ClinVar:

NM_182961.4(SYNE1):c.21936A>T (p.Gln7312His)

Gene: SYNE1 (spectrin repeat containing nuclear envelope protein 1; minus strand). Cytogenetic location: 6q25.2.
Variant type: single nucleotide variant.
Coding change: c.21936A>T on transcript NM_182961.4 (MANE Select); coding-DNA position 21936, A replaced by T.
Protein change: p.Gln7312His; replaces glutamine 7312 with histidine.
Molecular consequence: missense variant.
Genome position (GRCh38, 1-based): chr6:152,219,111, T>A on the plus strand (A>T on the coding strand, the complement: SYNE1 is on the minus strand). VCF-style: chr6-152219111-T-A. GRCh37 (hg19) VCF-style: chr6-152540246-T-A.
Other names: c.21723A>T, p.Gln7241His (NM_033071.5); short protein forms Q7241H, Q7312H.
Identifiers: ClinVar variation 1370656 (VCV001370656.6), dbSNP rs968163245, ClinGen allele CA366104046.

ClinVar aggregate classification (germline): Uncertain significance (1 of 4 stars; one submission).

Conditions:
Emery-Dreifuss muscular dystrophy 4, autosomal dominant (EDMD4). Also called: EMERY-DREIFUSS MUSCULAR DYSTROPHY 4 WITH VARIABLE FEATURES. Identifiers: Orphanet 261, MedGen C2751807, MONDO:0013071, OMIM 612998.
Autosomal recessive ataxia, Beauce type. Also called: SYNE1-Related Autosomal Recessive Cerebellar Ataxia; Spinocerebellar ataxia, autosomal recessive 8; ATAXIA, RECESSIVE, OF BEAUCE; SYNE1 Deficiency. Identifiers: Orphanet 88644, MedGen C1853116, MONDO:0012549, OMIM 610743.

Submission:

Labcorp Genetics (formerly Invitae), Labcorp
Classification: Uncertain significance for Emery-Dreifuss muscular dystrophy 4, autosomal dominant; Autosomal recessive ataxia, Beauce type. Last evaluated: 2022-08-09. Review status: criteria provided, single submitter. Criteria: Invitae Variant Classification Sherloc (09022015). Collection method: clinical testing. Allele origin: germline.
Comment: This sequence change replaces glutamine, which is neutral and polar, with histidine, which is basic and polar, at codon 7241 of the SYNE1 protein (p.Gln7241His). This variant is not present in population databases (gnomAD no frequency). ClinVar contains an entry for this variant (Variation ID: 1370656). This variant has not been reported in the literature in individuals affected with SYNE1-related conditions. Algorithms developed to predict the effect of missense changes on protein structure and function are either unavailable or do not agree on the potential impact of this missense change (SIFT: "Deleterious"; PolyPhen-2: "Probably Damaging"; Align-GVGD: "Class C0"). In summary, the available evidence is currently insufficient to determine the role of this variant in disease. Therefore, it has been classified as a Variant of Uncertain Significance.